The following is an entry in ClinVar:

NM_018230.3(NUP133):c.2089G>A (p.Asp697Asn)

Gene: NUP133 (nucleoporin 133; minus strand). Cytogenetic location: 1q42.13.
Variant type: single nucleotide variant.
Coding change: c.2089G>A on transcript NM_018230.3 (MANE Select); coding-DNA position 2089, G replaced by A.
Protein change: p.Asp697Asn; replaces aspartic acid 697 with asparagine.
Molecular consequence: missense variant.
Genome position (GRCh38, 1-based): chr1:229,466,744, C>T on the plus strand (G>A on the coding strand, the complement: NUP133 is on the minus strand). VCF-style: chr1-229466744-C-T. GRCh37 (hg19) VCF-style: chr1-229602491-C-T.
Other names: short protein forms D697N.
Identifiers: ClinVar variation 1029680 (VCV001029680.1), dbSNP rs1660836187, ClinGen allele CA345156924.

ClinVar aggregate classification (germline): Uncertain significance (1 of 4 stars; one submission).

Conditions:
Nephrotic syndrome, type 18. Identifiers: MedGen C4748549, MONDO:0032581, OMIM 618177.

Submission:

Baylor Genetics
Classification: Uncertain significance for Nephrotic syndrome, type 18. Last evaluated: 2020-06-10. Review status: criteria provided, single submitter. Criteria: ACMG Guidelines, 2015. Collection method: clinical testing. Allele origin: unknown. Affected: yes.
Comment: This variant was determined to be of uncertain significance according to ACMG Guidelines, 2015 [PMID:25741868].